The following is an entry in ClinVar:

NM_015259.6(ICOSLG):c.184G>A (p.Val62Met)

Gene: ICOSLG (inducible T cell costimulator ligand; minus strand). Cytogenetic location: 21q22.3.
Variant type: single nucleotide variant.
Coding change: c.184G>A on transcript NM_015259.6 (MANE Select); coding-DNA position 184, G replaced by A.
Protein change: p.Val62Met; replaces valine 62 with methionine.
Molecular consequence: missense variant. On other transcripts: intron variant (2).
Genome position (GRCh38, 1-based): chr21:44,237,089, C>T on the plus strand (G>A on the coding strand, the complement: ICOSLG is on the minus strand). VCF-style: chr21-44237089-C-T. GRCh37 (hg19) VCF-style: chr21-45656972-C-T.
Other names: c.184G>A, p.Val62Met (NM_001283050.2, NM_001395918.1); c.103G>A, p.Val35Met (NM_001365759.2); c.55+1359G>A (NM_001283051.2); c.-48-24G>A (NM_001283052.2); short protein forms V35M, V62M.
Identifiers: ClinVar variation 1953762 (VCV001953762.5), dbSNP rs2517848045, ClinGen allele CA410616477.

ClinVar aggregate classification (germline): Uncertain significance (1 of 4 stars; one submission).

Submission:

Labcorp Genetics (formerly Invitae), Labcorp
Classification: Uncertain significance. Last evaluated: 2022-08-05. Review status: criteria provided, single submitter. Criteria: Invitae Variant Classification Sherloc (09022015). Collection method: clinical testing. Allele origin: germline.
Comment: In summary, the available evidence is currently insufficient to determine the role of this variant in disease. Therefore, it has been classified as a Variant of Uncertain Significance. Algorithms developed to predict the effect of missense changes on protein structure and function are either unavailable or do not agree on the potential impact of this missense change (SIFT: "Deleterious"; PolyPhen-2: "Probably Damaging"; Align-GVGD: "Class C0"). This variant has not been reported in the literature in individuals affected with ICOSLG-related conditions. This variant is not present in population databases (gnomAD no frequency). This sequence change replaces valine, which is neutral and non-polar, with methionine, which is neutral and non-polar, at codon 62 of the ICOSLG protein (p.Val62Met).